The following is an entry in ClinVar:

NM_001384474.1(LOXHD1):c.5277del (p.Tyr1760fs)

Gene: LOXHD1 (lipoxygenase homology PLAT domains 1; minus strand). Cytogenetic location: 18q21.1.
Variant type: Deletion.
Coding change: c.5277del on transcript NM_001384474.1 (MANE Select); coding-DNA position 5277, one base deleted (C; older notation c.5277delC).
Protein change: p.Tyr1760fs; shifts the reading frame from tyrosine 1760.
Molecular consequence: frameshift variant. On other transcripts: 5 prime UTR variant (2).
Genome position (GRCh38, 1-based): chr18:46,518,251, G deleted on the plus strand (C on the coding strand, the reverse complement: LOXHD1 is on the minus strand). VCF-style (leftmost placement, unchanged base first): chr18-46518250-AG-A. GRCh37 (hg19) VCF-style: chr18-44098213-AG-A.
Other names: c.1944del, p.Tyr649fs (NM_001145472.3); c.-7del (NM_001145473.3, NM_001173129.2); c.1656del, p.Tyr553fs (NM_001308013.2); c.5091del, p.Tyr1698fs (NM_144612.7); short protein forms Y1698fs, Y553fs, Y1760fs, Y649fs.
Identifiers: ClinVar variation 2128903 (VCV002128903.4), dbSNP rs2511570527, ClinGen allele CA2580095741.
Genomic context (GRCh38, chr18:46,518,250, plus strand): 5'-TGAAGATGTTGGAGTCAGTGCCCCCGCCAACCACATCCCCTGTCCACACCGTCATTTCAT[AG>A]AGAACCTGCCATGAGAGGAATGCAGGTGCTGAGTCTCAGCCTCACCCTCCAACCCCACCT-3'

ClinVar aggregate classification (germline): Pathogenic (1 of 4 stars; one submission).

Submission:

Labcorp Genetics (formerly Invitae), Labcorp
Classification: Pathogenic. Last evaluated: 2022-04-21. Review status: criteria provided, single submitter. Criteria: Invitae Variant Classification Sherloc (09022015). Collection method: clinical testing. Allele origin: germline.
Comment: For these reasons, this variant has been classified as Pathogenic. This variant has not been reported in the literature in individuals affected with LOXHD1-related conditions. This variant is not present in population databases (gnomAD no frequency). This sequence change creates a premature translational stop signal (p.Tyr1698Metfs*3) in the LOXHD1 gene. It is expected to result in an absent or disrupted protein product. Loss-of-function variants in LOXHD1 are known to be pathogenic (PMID: 19732867, 21465660, 25792669).

Literature cited by the submitters: PubMed 19732867; PubMed 21465660; PubMed 25792669.